The following is an entry in ClinVar:

ClinVar aggregate classification (germline): Conflicting classifications of pathogenicity. Review status: criteria provided, conflicting classifications (1 of 4 stars). 5 submissions from 5 submitters: Uncertain significance (4); Likely benign (1). Last evaluated 2025-12-09.

Conditions:
Cardiovascular phenotype. Identifiers: MedGen CN230736.
Catecholaminergic polymorphic ventricular tachycardia (CVPT). Also called: Catecholamine-induced polymorphic ventricular tachycardia. Identifiers: Orphanet 3286, MedGen C5574922, MONDO:0017990.
Cardiomyopathy (CMYO). Also called: Cardiomyopathies. Identifiers: Orphanet 167848, MedGen C0878544, MONDO:0004994, HP:0001638. Inheritance: Various modes of inheritance.
Catecholaminergic polymorphic ventricular tachycardia 1. Also called: RYR2-Related Catecholaminergic Polymorphic Ventricular Tachycardia; VENTRICULAR TACHYCARDIA, CATECHOLAMINERGIC POLYMORPHIC, 1, WITH OR WITHOUT ATRIAL DYSFUNCTION AND/OR DILATED CARDIOMYOPATHY; VENTRICULAR TACHYCARDIA, STRESS-INDUCED POLYMORPHIC 1. Identifiers: Orphanet 3286, MedGen C1631597, MONDO:0011484, OMIM 604772.

Allele frequency attached by ClinVar (database versions not stated): gnomAD 0.00001; TOPMed 0.00001; ESP Exome Variant Server 0.00008.
gnomAD v4.1: 23 of 1,613,436 alleles (0.0014%); highest among the groups gnomAD compares: South Asian, 0.0099%; no homozygotes.

Submissions (5):

Labcorp Genetics (formerly Invitae), Labcorp
Classification: Likely benign for Catecholaminergic polymorphic ventricular tachycardia 1. Last evaluated: 2025-12-09. Review status: criteria provided, single submitter. Criteria: Invitae Variant Classification Sherloc (09022015). Collection method: clinical testing. Allele origin: germline.

Color Diagnostics, LLC DBA Color Health
Classification: Uncertain significance for Cardiomyopathy. Last evaluated: 2025-06-09. Review status: criteria provided, single submitter. Criteria: ACMG Guidelines, 2015. Collection method: clinical testing. Allele origin: germline.
Comment: This missense variant replaces alanine with threonine at codon 266 of the RYR2 protein. Computational prediction is inconclusive regarding the impact of this variant on protein structure and function. To our knowledge, functional studies have not been reported for this variant. This variant has been reported in an individual affected with sudden unexplained death (PMID: 29247119). This variant has been identified in 6/280500 chromosomes in the general population by the Genome Aggregation Database (gnomAD). The available evidence is insufficient to determine the role of this variant in disease conclusively. Therefore, this variant is classified as a Variant of Uncertain Significance.

GeneDx
Classification: Uncertain significance. Last evaluated: 2024-02-23. Review status: criteria provided, single submitter. Criteria: GeneDx Variant Classification Process June 2021. Collection method: clinical testing. Allele origin: germline. Affected: yes.
Comment: Has been observed in a patient from a cohort with sudden unexplained death; specific clinical details were not specified (PMID: 29247119); In silico analysis supports that this missense variant does not alter protein structure/function; This variant is associated with the following publications: (PMID: 29247119)

Ambry Genetics
Classification: Uncertain significance for Cardiovascular phenotype. Last evaluated: 2024-01-08. Review status: criteria provided, single submitter. Criteria: Ambry Variant Classification Scheme 2023. Collection method: clinical testing. Allele origin: germline.
Comment: The p.A266T variant (also known as c.796G>A), located in coding exon 11 of the RYR2 gene, results from a G to A substitution at nucleotide position 796. The alanine at codon 266 is replaced by threonine, an amino acid with similar properties. This alteration has been seen in a sudden unexplained death cohort (Lin Y et al. Circ Cardiovasc Genet, 2017 Dec;10:). This amino acid position is well conserved in available vertebrate species. In addition, the in silico prediction for this alteration is inconclusive. Since supporting evidence is limited at this time, the clinical significance of this alteration remains unclear.

All of Us Research Program, National Institutes of Health
Classification: Uncertain significance for Catecholaminergic polymorphic ventricular tachycardia. Last evaluated: 2023-12-13. Review status: criteria provided, single submitter. Criteria: ACMG Guidelines, 2015. Collection method: clinical testing. Allele origin: germline. Inheritance: Autosomal dominant inheritance. Observed: 1 variant allele, 1 heterozygote.
Comment: This missense variant replaces alanine with threonine at codon 266 of the RYR2 protein. Computational prediction is inconclusive regarding the impact of this variant on protein structure and function (internally defined REVEL score threshold 0.5 < inconclusive < 0.7, PMID: 27666373). To our knowledge, functional studies have not been reported for this variant. This variant has been reported in an individual affected with sudden unexplained death (PMID: 29247119). This variant has been identified in 6/280500 chromosomes in the general population by the Genome Aggregation Database (gnomAD). The available evidence is insufficient to determine the role of this variant in disease conclusively. Therefore, this variant is classified as a Variant of Uncertain Significance.

This study involves interpretation of variants in research participants for the purpose of population health screening. Participant phenotype was not available at the time of variant classification. Additional details can be found in publication PMID: 35346344, PMCID: PMC8962531

Literature cited by the submitters: PubMed 29247119 (cited by 3 submitters).

NM_001035.3(RYR2):c.796G>A (p.Ala266Thr)

Gene: RYR2 (ryanodine receptor 2; plus strand). Cytogenetic location: 1q43.
Variant type: single nucleotide variant.
Coding change: c.796G>A on transcript NM_001035.3 (MANE Select); coding-DNA position 796, G replaced by A.
Protein change: p.Ala266Thr; replaces alanine 266 with threonine.
Molecular consequence: missense variant.
Genome position (GRCh38, 1-based): chr1:237,417,071, G>A. VCF-style: chr1-237417071-G-A. GRCh37 (hg19) VCF-style: chr1-237580371-G-A.
Other names: p.A266T:GCT>ACT; c.796G>A, p.Ala266Thr (LRG_402t1); short protein forms A266T.
Identifiers: ClinVar variation 201370 (VCV000201370.20), dbSNP rs373326624, ClinGen allele CA010816.